The following is an entry in ClinVar:

NC_000002.11:g.(?_227922145)_(227927324_?)del

Gene: COL4A4 (collagen type IV alpha 4 chain; minus strand). Cytogenetic location: 2q36.3.
Variant type: Deletion.
Identifiers: ClinVar variation 1494839 (VCV001494839.6).

ClinVar aggregate classification (germline): Likely pathogenic (1 of 4 stars; one submission).

Submission:

Labcorp Genetics (formerly Invitae), Labcorp
Classification: Likely pathogenic. Last evaluated: 2021-02-24. Review status: criteria provided, single submitter. Criteria: Invitae Variant Classification Sherloc (09022015). Collection method: clinical testing. Allele origin: germline.
Comment: In summary, the currently available evidence indicates that the variant is pathogenic, but additional data are needed to prove that conclusively. Therefore, this variant has been classified as Likely Pathogenic. This variant disrupts the p.Gly837 amino acid residue in COL4A4. Other variant(s) that disrupt this residue have been determined to be pathogenic (PMID: 24633401, 27281700, 31677115). This suggests that this residue is clinically significant, and that variants that disrupt this residue are likely to be disease-causing. This variant has not been reported in the literature in individuals with COL4A4-related conditions. This variant is a gross deletion of the genomic region encompassing exon(s) 26-29 of the COL4A4 gene. This variant would be expected to be in-frame, preserving the integrity of the reading frame.

Literature cited by the submitters: PubMed 24633401; PubMed 27281700; PubMed 31677115.